The following is an entry in ClinVar:

NM_000321.3(RB1):c.2356C>T (p.Pro786Ser)

Gene: RB1 (RB transcriptional corepressor 1; plus strand). Cytogenetic location: 13q14.2.
Variant type: single nucleotide variant.
Coding change: c.2356C>T on transcript NM_000321.3 (MANE Select); coding-DNA position 2356, C replaced by T.
Protein change: p.Pro786Ser; replaces proline 786 with serine.
Molecular consequence: missense variant.
Genome position (GRCh38, 1-based): chr13:48,465,235, C>T. VCF-style: chr13-48465235-C-T. GRCh37 (hg19) VCF-style: chr13-49039371-C-T.
Other names: short protein forms P786S.
Identifiers: ClinVar variation 458145 (VCV000458145.21), dbSNP rs754507551, ClinGen allele CA035332.

ClinVar aggregate classification (germline): Conflicting classifications of pathogenicity. Review status: criteria provided, conflicting classifications (1 of 4 stars). 7 submissions from 7 submitters: Uncertain significance (4); Likely benign (3). Last evaluated 2026-06-22.

Conditions:
Hereditary cancer-predisposing syndrome. Also called: Hereditary neoplastic syndrome; Neoplastic Syndromes, Hereditary; Hereditary Cancer Syndrome; Tumor predisposition. Identifiers: Orphanet 140162, MedGen C0027672, MeSH D009386, MONDO:0015356.
Retinoblastoma (RB1). Also called: RETINOBLASTOMA, SOMATIC. Identifiers: Orphanet 790, MedGen C0035335, MeSH D012175, MONDO:0008380, OMIM 180200, HP:0009919. Disease mechanism: loss of function. Inheritance: Both sporadic and heritable forms are tested..
Medulloblastoma (MDB). Also called: MEDULLOBLASTOMA PREDISPOSITION SYNDROME; Medulloblastoma, somatic. Identifiers: Orphanet 616, MedGen C0025149, MeSH D008527, MONDO:0007959, OMIM 155255, HP:0002885.

Allele frequency attached by ClinVar (database versions not stated): TOPMed 0.00004; gnomAD exomes 0.00028 and 0.00005; gnomAD 0.00001 and 0.00003; ExAC 0.00004.
gnomAD v4.1: 399 of 1,613,760 alleles (0.025%); highest among the groups gnomAD compares: Non-Finnish European, 0.033%; no homozygotes.

Submissions (7):

Myriad Genetics, Inc.
Classification: Likely benign for Retinoblastoma. Last evaluated: 2026-06-22. Review status: criteria provided, single submitter. Criteria: Myriad Autosomal Dominant, Autosomal Recessive and X-Linked Classification Criteria (2023). Collection method: clinical testing. Allele origin: unknown.
Comment: This variant is considered likely benign. This variant has been observed at a population frequency that is significantly greater than expected given the associated disease prevalence and penetrance.

Labcorp Genetics (formerly Invitae), Labcorp
Classification: Likely benign for Retinoblastoma. Last evaluated: 2025-12-13. Review status: criteria provided, single submitter. Criteria: Invitae Variant Classification Sherloc (09022015). Collection method: clinical testing. Allele origin: germline.

Genetic Diagnostic Laboratory, University of Pennsylvania School of Medicine
Classification: Uncertain significance for Retinoblastoma. Last evaluated: 2024-05-20. Review status: criteria provided, single submitter. Criteria: ACMG Guidelines, 2015. Collection method: clinical testing. Allele origin: germline. Affected: yes. Observed: 2 variant alleles.
Comment: Case and Pedigree Information: BILATERAL CASES:0, UNILATERAL CASES:2, TOTAL CASES:2, PEDIGREES:2. ACMG Codes Applied:

Color Diagnostics, LLC DBA Color Health
Classification: Uncertain significance for Retinoblastoma. Last evaluated: 2024-04-02. Review status: criteria provided, single submitter. Criteria: ACMG Guidelines, 2015. Collection method: clinical testing. Allele origin: germline.
Comment: This missense variant replaces proline with serine at codon 786 of the RB1 protein. Computational prediction is inconclusive regarding the impact of this variant on protein structure and function. To our knowledge, functional studies have not been reported for this variant. This variant has not been reported in individuals affected with RB1-related disorders in the literature. This variant has not been identified in the general population by the Genome Aggregation Database (gnomAD). The available evidence is insufficient to determine the role of this variant in disease conclusively. Therefore, this variant is classified as a Variant of Uncertain Significance.

All of Us Research Program, National Institutes of Health
Classification: Uncertain significance for Retinoblastoma. Last evaluated: 2024-01-11. Review status: criteria provided, single submitter. Criteria: ACMG Guidelines, 2015. Collection method: clinical testing. Allele origin: germline. Inheritance: Autosomal dominant inheritance. Observed: 16 variant alleles, 16 heterozygotes.
Comment: This missense variant replaces proline with serine at codon 786 of the RB1 protein. Computational prediction is inconclusive regarding the impact of this variant on protein structure and function (internally defined REVEL score threshold 0.5 < inconclusive < 0.7, PMID: 27666373). To our knowledge, functional studies have not been reported for this variant. This variant has not been reported in individuals affected with hereditary cancer in the literature. This variant has been identified in 13/251436 chromosomes in the general population by the Genome Aggregation Database (gnomAD). The available evidence is insufficient to determine the role of this variant in disease conclusively. Therefore, this variant is classified as a Variant of Uncertain Significance.

This study involves interpretation of variants in research participants for the purpose of population health screening. Participant phenotype was not available at the time of variant classification. Additional details can be found in publication PMID: 35346344, PMCID: PMC8962531

Ambry Genetics
Classification: Likely benign for Hereditary cancer-predisposing syndrome. Last evaluated: 2020-12-03. Review status: criteria provided, single submitter. Criteria: Ambry Variant Classification Scheme 2023. Collection method: clinical testing. Allele origin: germline.

St. Jude Molecular Pathology, St. Jude Children's Research Hospital
Classification: Uncertain significance for Medulloblastoma. Last evaluated: 2016-02-10. Review status: criteria provided, single submitter. Criteria: ACMG Guidelines, 2015. Collection method: clinical testing. Allele origin: germline. Affected: yes.